The following is an entry in ClinVar:

NM_001170629.2(CHD8):c.5600-4G>A

Gene: CHD8 (chromodomain helicase DNA binding protein 8; minus strand). Cytogenetic location: 14q11.2.
Variant type: single nucleotide variant.
Coding change: c.5600-4G>A on transcript NM_001170629.2 (MANE Select); 4 bases into the intron before coding-DNA position 5600, G replaced by A.
Molecular consequence: intron variant.
Genome position (GRCh38, 1-based): chr14:21,394,199, C>T on the plus strand (G>A on the coding strand, the complement: CHD8 is on the minus strand). VCF-style: chr14-21394199-C-T. GRCh37 (hg19) VCF-style: chr14-21862358-C-T.
Other names: c.4763-4G>A (NM_020920.4).
Identifiers: ClinVar variation 1748573 (VCV001748573.2), dbSNP rs774204549, ClinGen allele CA7090923.

ClinVar aggregate classification (germline): Uncertain significance (1 of 4 stars; one submission).

Conditions:
Inborn genetic diseases. Identifiers: MedGen C0950123, MeSH D030342.

Allele frequency attached by ClinVar (database versions not stated): TOPMed below 0.00001; gnomAD exomes 0.00001; ExAC 0.00003.
gnomAD v4.1: 6 of 1,607,600 alleles (0.00037%); highest among the groups gnomAD compares: Admixed American, 0.01%; no homozygotes.

Submission:

Ambry Genetics
Classification: Uncertain significance for Inborn genetic diseases. Last evaluated: 2017-06-23. Review status: criteria provided, single submitter. Criteria: Ambry Variant Classification Scheme 2023. Collection method: clinical testing. Allele origin: germline.
Comment: The c.5600-4G>A intronic variant results from a G to A substitution 4 nucleotides upstream from coding exon 31 in the CHD8 gene. This nucleotide position is not well conserved in available vertebrate species. Using the BDGP and ESEfinder splice site prediction tools, this alteration is not predicted to have any significant effect on this splice acceptor site; however, direct evidence is unavailable. Since supporting evidence is limited at this time, the clinical significance of this alteration remains unclear.